The following is an entry in ClinVar:

ClinVar aggregate classification (germline): Uncertain significance. Review status: criteria provided, multiple submitters, no conflicts (2 of 4 stars). 5 submissions from 5 submitters: Uncertain significance (5). Last evaluated 2024-09-06.

Conditions:
Familial thoracic aortic aneurysm and aortic dissection (TAAD). Also called: Thoracic aortic aneurysms and dissections. Identifiers: Orphanet 91387, MedGen C4707243, MONDO:0019625.
Connective tissue disorder. Also called: Connective tissue disease. Identifiers: MedGen C0009782, MONDO:0003900.
Congenital contractural arachnodactyly (CCA). Also called: BEALS SYNDROME; Beals-Hecht syndrome; Arthrogryposis, distal, type 9. Identifiers: Orphanet 115, MedGen C0220668, MONDO:0007363, OMIM 121050.

gnomAD v4.1: 8 of 1,613,982 alleles (0.0005%); highest among the groups gnomAD compares: Non-Finnish European, 0.00042%; no homozygotes.

Submissions (5):

Centre of Medical Genetics, University of Antwerp
Classification: Uncertain significance for Familial thoracic aortic aneurysm and aortic dissection. Last evaluated: 2024-09-06. Review status: criteria provided, single submitter. Criteria: ACMG Guidelines, 2015. Collection method: clinical testing. Allele origin: germline. Affected: yes.

Labcorp Genetics (formerly Invitae), Labcorp
Classification: Uncertain significance for Congenital contractural arachnodactyly. Last evaluated: 2023-09-03. Review status: criteria provided, single submitter. Criteria: Invitae Variant Classification Sherloc (09022015). Collection method: clinical testing. Allele origin: germline.
Comment: In summary, the available evidence is currently insufficient to determine the role of this variant in disease. Therefore, it has been classified as a Variant of Uncertain Significance. Advanced modeling of protein sequence and biophysical properties (such as structural, functional, and spatial information, amino acid conservation, physicochemical variation, residue mobility, and thermodynamic stability) performed at Invitae indicates that this missense variant is expected to disrupt FBN2 protein function. ClinVar contains an entry for this variant (Variation ID: 841508). This variant has not been reported in the literature in individuals affected with FBN2-related conditions. This variant is not present in population databases (gnomAD no frequency). This sequence change replaces glycine, which is neutral and non-polar, with arginine, which is basic and polar, at codon 2715 of the FBN2 protein (p.Gly2715Arg).

Genome Diagnostics Laboratory, The Hospital for Sick Children
Classification: Uncertain significance for Connective tissue disorder. Last evaluated: 2022-04-26. Review status: criteria provided, single submitter. Criteria: ACMG Guidelines, 2015. Collection method: clinical testing. Allele origin: germline.

Ambry Genetics
Classification: Uncertain significance for Familial thoracic aortic aneurysm and aortic dissection. Last evaluated: 2021-01-29. Review status: criteria provided, single submitter. Criteria: Ambry Variant Classification Scheme 2023. Collection method: clinical testing. Allele origin: germline.
Comment: The p.G2715R variant (also known as c.8143G>C), located in coding exon 63 of the FBN2 gene, results from a G to C substitution at nucleotide position 8143. The glycine at codon 2715 is replaced by arginine, an amino acid with dissimilar properties, and is located in the fibulin-like domain. This amino acid position is highly conserved in available vertebrate species. In addition, this alteration is predicted to be deleterious by in silico analysis. Since supporting evidence is limited at this time, the clinical significance of this alteration remains unclear.

Blueprint Genetics
Classification: Uncertain significance. Last evaluated: 2019-06-12. Review status: criteria provided, single submitter. Criteria: ACMG Guidelines, 2015. Collection method: clinical testing. Allele origin: germline.

NM_001999.4(FBN2):c.8143G>C (p.Gly2715Arg)

Gene: FBN2 (fibrillin 2; minus strand). Cytogenetic location: 5q23.3.
Variant type: single nucleotide variant.
Coding change: c.8143G>C on transcript NM_001999.4 (MANE Select); coding-DNA position 8143, G replaced by C.
Protein change: p.Gly2715Arg; replaces glycine 2715 with arginine.
Molecular consequence: missense variant.
Genome position (GRCh38, 1-based): chr5:128,263,474, C>G on the plus strand (G>C on the coding strand, the complement: FBN2 is on the minus strand). VCF-style: chr5-128263474-C-G. GRCh37 (hg19) VCF-style: chr5-127599166-C-G.
Other names: short protein forms G2715R.
Identifiers: ClinVar variation 841508 (VCV000841508.17), dbSNP rs772569905, ClinGen allele CA360748413.